The following is an entry in ClinVar:

NM_144991.3(TSPEAR):c.950A>G (p.Glu317Gly)

Gene: TSPEAR (thrombospondin type laminin G domain and EAR repeats; minus strand). Cytogenetic location: 21q22.3.
Variant type: single nucleotide variant.
Coding change: c.950A>G on transcript NM_144991.3 (MANE Select); coding-DNA position 950, A replaced by G.
Protein change: p.Glu317Gly; replaces glutamic acid 317 with glycine.
Molecular consequence: missense variant.
Genome position (GRCh38, 1-based): chr21:44,527,491, T>C on the plus strand (A>G on the coding strand, the complement: TSPEAR is on the minus strand). VCF-style: chr21-44527491-T-C. GRCh37 (hg19) VCF-style: chr21-45947374-T-C.
Other names: c.746A>G, p.Glu249Gly (NM_001272037.2); short protein forms E249G, E317G.
Identifiers: ClinVar variation 4689915 (VCV004689915.1).

ClinVar aggregate classification (germline): Uncertain significance (1 of 4 stars; one submission).

Submission:

GeneDx
Classification: Uncertain significance. Last evaluated: 2025-07-29. Review status: criteria provided, single submitter. Criteria: GeneDx Variant Classification Process June 2021. Collection method: clinical testing. Allele origin: germline. Affected: yes.
Comment: Not observed at significant frequency in large population cohorts (gnomAD); In silico analysis supports that this missense variant has a deleterious effect on protein structure/function; Has not been previously published as pathogenic or benign to our knowledge